The following is an entry in ClinVar:

ClinVar aggregate classification (germline): Pathogenic (1 of 4 stars; one submission).

Conditions:
RYR1-related disorder. Also called: RYR1-related condition; RYR1-related disorders. Identifiers: MedGen CN239331.

Allele frequency attached by ClinVar (database versions not stated): gnomAD exomes below 0.00001.
gnomAD v4.1: 1 of 1,289,450 alleles (0.000078%); no homozygotes.

Submission:

Labcorp Genetics (formerly Invitae), Labcorp
Classification: Pathogenic for RYR1-related disorder. Last evaluated: 2022-08-13. Review status: criteria provided, single submitter. Criteria: Invitae Variant Classification Sherloc (09022015). Collection method: clinical testing. Allele origin: germline.
Comment: For these reasons, this variant has been classified as Pathogenic. This variant has not been reported in the literature in individuals affected with RYR1-related conditions. This variant is not present in population databases (gnomAD no frequency). This sequence change creates a premature translational stop signal (p.Trp4337*) in the RYR1 gene. It is expected to result in an absent or disrupted protein product. Loss-of-function variants in RYR1 are known to be pathogenic (PMID: 20583297, 20839240, 23919265, 28818389).

Literature cited by the submitters: PubMed 20583297; PubMed 20839240; PubMed 23919265; PubMed 28818389.

NM_000540.3(RYR1):c.13011G>A (p.Trp4337Ter)

Gene: RYR1 (ryanodine receptor 1; plus strand). Cytogenetic location: 19q13.2.
Variant type: single nucleotide variant.
Coding change: c.13011G>A on transcript NM_000540.3 (MANE Select); coding-DNA position 13011, G replaced by A.
Protein change: p.Trp4337Ter; replaces tryptophan 4337 with a stop codon.
Molecular consequence: nonsense.
Genome position (GRCh38, 1-based): chr19:38,565,345, G>A. VCF-style: chr19-38565345-G-A. GRCh37 (hg19) VCF-style: chr19-39055985-G-A.
Other names: c.12996G>A, p.Trp4332Ter (NM_001042723.2); short protein forms W4332*, W4337*.
Identifiers: ClinVar variation 2023949 (VCV002023949.4), dbSNP rs2514678035, ClinGen allele CA405672991.